The following is an entry in ClinVar:

NM_001323289.2(CDKL5):c.2376+9A>G

Gene: CDKL5 (cyclin dependent kinase like 5; plus strand). Cytogenetic location: Xp22.13.
Variant type: single nucleotide variant.
Coding change: c.2376+9A>G on transcript NM_001323289.2 (MANE Select); 9 bases into the intron after coding-DNA position 2376, A replaced by G.
Molecular consequence: intron variant.
Genome position (GRCh38, 1-based): chrX:18,619,975, A>G. VCF-style: chrX-18619975-A-G. GRCh37 (hg19) VCF-style: chrX-18638095-A-G.
Other names: c.2376+9A>G (NM_003159.3, NM_001037343.2).
Identifiers: ClinVar variation 2926694 (VCV002926694.3), dbSNP rs368471704, ClinGen allele CA10360528.
Genomic context (GRCh38, chrX:18,619,975, plus strand): 5'-GAAGCAAGGATTTTTCAGGTCAATGAAAAAGAAAAAGAAGAAATCTCAAACAGTAAGTAG[A>G]TGACCAGTTTCTATATATAATAACATGTTTCTGCATTATTCAATGGATACTTTACACTTT-3'

ClinVar aggregate classification (germline): Uncertain significance (1 of 4 stars; one submission).

Conditions:
Developmental and epileptic encephalopathy, 2 (DEE2). Also called: INFANTILE SPASM SYNDROME, X-LINKED 2; CDKL5 deficiency disorder. Identifiers: Orphanet 1934, Orphanet 3451, Orphanet 505652, MedGen C4750718, MONDO:0010396, OMIM 300672.
Angelman syndrome-like. Identifiers: MedGen CN128785.

Allele frequency attached by ClinVar (database versions not stated): ExAC 0.00002; gnomAD 0.00002; TOPMed 0.00002; ESP Exome Variant Server 0.00010.

Submission:

Labcorp Genetics (formerly Invitae), Labcorp
Classification: Uncertain significance for Developmental and epileptic encephalopathy, 2; Angelman syndrome-like. Last evaluated: 2023-05-23. Review status: criteria provided, single submitter. Criteria: Invitae Variant Classification Sherloc (09022015). Collection method: clinical testing. Allele origin: germline.
Comment: In summary, the available evidence is currently insufficient to determine the role of this variant in disease. Therefore, it has been classified as a Variant of Uncertain Significance. Algorithms developed to predict the effect of sequence changes on RNA splicing suggest that this variant may create or strengthen a splice site. This variant has not been reported in the literature in individuals affected with CDKL5-related conditions. This variant is present in population databases (rs368471704, gnomAD 0.009%). This sequence change falls in intron 16 of the CDKL5 gene. It does not directly change the encoded amino acid sequence of the CDKL5 protein.